The following is an entry in ClinVar:

NM_001182.5(ALDH7A1):c.561G>A (p.Leu187=)

Gene: ALDH7A1 (aldehyde dehydrogenase 7 family member A1; minus strand). Cytogenetic location: 5q23.2.
Variant type: single nucleotide variant.
Coding change: c.561G>A on transcript NM_001182.5 (MANE Select); coding-DNA position 561, G replaced by A.
Protein change: p.Leu187=; no amino-acid change (leucine 187 retained).
Molecular consequence: synonymous variant.
Genome position (GRCh38, 1-based): chr5:126,577,168, C>T on the plus strand (G>A on the coding strand, the complement: ALDH7A1 is on the minus strand). VCF-style: chr5-126577168-C-T. GRCh37 (hg19) VCF-style: chr5-125912860-C-T.
Other names: c.477G>A, p.Leu159= (NM_001201377.2); c.561G>A, p.Leu187= (NM_001202404.2).
Identifiers: ClinVar variation 390313 (VCV000390313.1), dbSNP rs1057523720, ClinGen allele CA16604683.
Genomic context (GRCh38, chr5:126,577,168, plus strand): 5'-GATGGCGTTGTTCCAACCATACACTGCCACAGGGAAATTGAATGCCGTGATGATTCCAAC[C>T]AGGCCTACGGGATTCCACTGCTCAATCAGTGCATGGCCAGATCCTGAGGACAGAAAAAGG-3'
Protein context (NP_001173.2, residues 177-197): ALIEQWNPVG[Leu187=]VGIITAFNFP

ClinVar aggregate classification (germline): Likely benign (1 of 4 stars; one submission).

Submission:

GeneDx
Classification: Likely benign. Last evaluated: 2016-10-25. Review status: criteria provided, single submitter. Criteria: GeneDx Variant Classification (06012015). Collection method: clinical testing. Allele origin: germline. Affected: yes.
Comment: This variant is considered likely benign or benign based on one or more of the following criteria: it is a conservative change, it occurs at a poorly conserved position in the protein, it is predicted to be benign by multiple in silico algorithms, and/or has population frequency not consistent with disease.